The following is an entry in ClinVar:

NM_000051.4(ATM):c.1406G>C (p.Arg469Thr)

Gene: ATM (ATM serine/threonine kinase; plus strand). Cytogenetic location: 11q22.3.
Variant type: single nucleotide variant.
Coding change: c.1406G>C on transcript NM_000051.4 (MANE Select); coding-DNA position 1406, G replaced by C.
Protein change: p.Arg469Thr; replaces arginine 469 with threonine.
Molecular consequence: missense variant.
Genome position (GRCh38, 1-based): chr11:108,250,871, G>C. VCF-style: chr11-108250871-G-C. GRCh37 (hg19) VCF-style: chr11-108121598-G-C.
Other names: c.1406G>C, p.Arg469Thr (NM_001351834.2); short protein forms R469T.
Identifiers: ClinVar variation 1771908 (VCV001771908.4), dbSNP rs2135321705, ClinGen allele CA382533949.
Genomic context (GRCh38, chr11:108,250,871, plus strand): 5'-GGGAACGTACACCATATGTGTTACGATGCCTTACGGAAGTTGCATTGTGTCAAGACAAGA[G>C]GTCAAACCTAGAAAGCTCACAAAAGTCAGATTTATTAAAACTCTGGAATAAAATTTGGTG-3'
Protein context (NP_000042.3, residues 459-479): LTEVALCQDK[Arg469Thr]SNLESSQKSD

ClinVar aggregate classification (germline): Uncertain significance. Review status: criteria provided, multiple submitters, no conflicts (2 of 4 stars). 2 submissions from 2 submitters: Uncertain significance (2). Last evaluated 2024-06-17.

Conditions:
Hereditary cancer-predisposing syndrome. Also called: Hereditary Cancer Syndrome; Hereditary neoplastic syndrome; Neoplastic Syndromes, Hereditary; Tumor predisposition. Identifiers: Orphanet 140162, MedGen C0027672, MeSH D009386, MONDO:0015356.

Submissions (2):

Ambry Genetics
Classification: Uncertain significance for Hereditary cancer-predisposing syndrome. Last evaluated: 2024-06-17. Review status: criteria provided, single submitter. Criteria: Ambry Variant Classification Scheme 2023. Collection method: clinical testing. Allele origin: germline.
Comment: The p.R469T variant (also known as c.1406G>C), located in coding exon 9 of the ATM gene, results from a G to C substitution at nucleotide position 1406. The arginine at codon 469 is replaced by threonine, an amino acid with similar properties. This amino acid position is poorly conserved in available vertebrate species. In addition, this alteration is predicted to be tolerated by in silico analysis. Based on the available evidence, the clinical significance of this variant remains unclear.

Blueprint Genetics
Classification: Uncertain significance. Last evaluated: 2023-05-22. Review status: criteria provided, single submitter. Criteria: ACMG Guidelines, 2015. Collection method: clinical testing. Allele origin: germline.